The following is an entry in ClinVar:

NM_014915.3(ANKRD26):c.2977G>A (p.Glu993Lys)

Gene: ANKRD26 (ankyrin repeat domain containing 26; minus strand). Cytogenetic location: 10p12.1.
Variant type: single nucleotide variant.
Coding change: c.2977G>A on transcript NM_014915.3 (MANE Select); coding-DNA position 2977, G replaced by A.
Protein change: p.Glu993Lys; replaces glutamic acid 993 with lysine.
Molecular consequence: missense variant.
Genome position (GRCh38, 1-based): chr10:27,035,473, C>T on the plus strand (G>A on the coding strand, the complement: ANKRD26 is on the minus strand). VCF-style: chr10-27035473-C-T. GRCh37 (hg19) VCF-style: chr10-27324402-C-T.
Other names: c.2974G>A, p.Glu992Lys (NM_001256053.2); short protein forms E992K, E993K.
Identifiers: ClinVar variation 3869933 (VCV003869933.1).
Genomic context (GRCh38, chr10:27,035,473, plus strand): 5'-ATCTAGAATGGTATGATTCAACTTCTGCTTCCAGTCTTTCCTTGCTTTGCTTTTCATTCT[C>T]CAGTTTAGAATTTAGCATTGCATTCTCAGCTGTCAGAACACTAAGCCGTCCATTATACTG-3'
Protein context (NP_055730.2, residues 983-1003): AENAMLNSKL[Glu993Lys]NEKQSKERLE

ClinVar aggregate classification (germline): Uncertain significance (1 of 4 stars; one submission).

Conditions:
Inborn genetic diseases. Identifiers: MedGen C0950123, MeSH D030342.

Submission:

Ambry Genetics
Classification: Uncertain significance for Inborn genetic diseases. Last evaluated: 2025-01-03. Review status: criteria provided, single submitter. Criteria: Ambry Variant Classification Scheme 2023. Collection method: clinical testing. Allele origin: germline.
Comment: The p.E993K variant (also known as c.2977G>A), located in coding exon 24 of the ANKRD26 gene, results from a G to A substitution at nucleotide position 2977. The glutamic acid at codon 993 is replaced by lysine, an amino acid with similar properties. This amino acid position is conserved. In addition, this alteration is predicted to be tolerated by in silico analysis. Based on the available evidence, the clinical significance of this variant remains unclear.